The following is an entry in ClinVar:

NM_001999.4(FBN2):c.2376T>C (p.Arg792=)

Gene: FBN2 (fibrillin 2; minus strand). Cytogenetic location: 5q23.3.
Variant type: single nucleotide variant.
Coding change: c.2376T>C on transcript NM_001999.4 (MANE Select); coding-DNA position 2376, T replaced by C.
Protein change: p.Arg792=; no amino-acid change (arginine 792 retained).
Molecular consequence: synonymous variant.
Genome position (GRCh38, 1-based): chr5:128,364,652, A>G on the plus strand (T>C on the coding strand, the complement: FBN2 is on the minus strand). VCF-style: chr5-128364652-A-G. GRCh37 (hg19) VCF-style: chr5-127700345-A-G.
Other names: c.2376T>C (NM_001999.3).
Identifiers: ClinVar variation 2673024 (VCV002673024.27), dbSNP rs764572021, ClinGen allele CA3395567.
Genomic context (GRCh38, chr5:128,364,652, plus strand): 5'-TAACTTACCAATACAGTTTCTTCCAGAGGCATCTGGTTCATAGCCACTGTTGCAATTACA[A>G]CGGTAACTACCACGTAAGTTTTCACAAATCCCATTGGCACATATATCAGGATCCAAAGCA-3'
Protein context (NP_001990.2, residues 782-802): GICENLRGSY[Arg792=]CNCNSGYEPD

ClinVar aggregate classification (germline): Likely benign. Review status: criteria provided, multiple submitters, no conflicts (2 of 4 stars). 3 submissions from 3 submitters: Likely benign (3). Last evaluated 2025-09-22.

Conditions:
Congenital contractural arachnodactyly (CCA). Also called: BEALS SYNDROME; Beals-Hecht syndrome; Arthrogryposis, distal, type 9. Identifiers: Orphanet 115, MedGen C0220668, MONDO:0007363, OMIM 121050.
Familial thoracic aortic aneurysm and aortic dissection (TAAD). Also called: Thoracic aortic aneurysms and dissections. Identifiers: Orphanet 91387, MedGen C4707243, MONDO:0019625.

Allele frequency attached by ClinVar (database versions not stated): gnomAD 0.00001; gnomAD exomes 0.00001; TOPMed 0.00001; ExAC 0.00002.
gnomAD v4.1: 8 of 1,613,474 alleles (0.0005%); highest among the groups gnomAD compares: Non-Finnish European, 0.00068%; no homozygotes.

Submissions (3):

Labcorp Genetics (formerly Invitae), Labcorp
Classification: Likely benign for Congenital contractural arachnodactyly. Last evaluated: 2025-09-22. Review status: criteria provided, single submitter. Criteria: Invitae Variant Classification Sherloc (09022015). Collection method: clinical testing. Allele origin: germline.

Ambry Genetics
Classification: Likely benign for Familial thoracic aortic aneurysm and aortic dissection. Last evaluated: 2024-10-15. Review status: criteria provided, single submitter. Criteria: Ambry Variant Classification Scheme 2023. Collection method: clinical testing. Allele origin: germline.

CeGaT Center for Human Genetics Tuebingen
Classification: Likely benign. Last evaluated: 2023-11-01. Review status: criteria provided, single submitter. Criteria: CeGaT Center For Human Genetics Tuebingen Variant Classification Criteria Version 2. Collection method: clinical testing. Allele origin: germline. Affected: yes. Observed: 1 variant allele.
Comment: FBN2: BP4, BP7